The following is an entry in ClinVar:

ClinVar aggregate classification (germline): Likely benign. Review status: criteria provided, multiple submitters, no conflicts (2 of 4 stars). 3 submissions from 3 submitters: Likely benign (3). Last evaluated 2025-11-30.

Conditions:
Cardiovascular phenotype. Identifiers: MedGen CN230736.
ZNF469-related disorder. Also called: ZNF469-related condition.

Allele frequency attached by ClinVar (database versions not stated): gnomAD 0.00001; gnomAD exomes 0.00001; TOPMed 0.00001.
gnomAD v4.1: 10 of 1,548,158 alleles (0.00065%); highest among the groups gnomAD compares: Admixed American, 0.0039%; no homozygotes.

Submissions (3):

Labcorp Genetics (formerly Invitae), Labcorp
Classification: Likely benign. Last evaluated: 2025-11-30. Review status: criteria provided, single submitter. Criteria: Invitae Variant Classification Sherloc (09022015). Collection method: clinical testing. Allele origin: germline.

PreventionGenetics, part of Exact Sciences
Classification: Likely benign for ZNF469-related condition. Last evaluated: 2025-01-23. Review status: criteria provided, single submitter. Criteria: ACMG Guidelines, 2015. Collection method: clinical testing. Allele origin: germline.
Comment: This variant is classified as likely benign based on ACMG/AMP sequence variant interpretation guidelines (Richards et al. 2015 PMID: 25741868, with internal and published modifications).

Ambry Genetics
Classification: Likely benign for Cardiovascular phenotype. Last evaluated: 2022-04-23. Review status: criteria provided, single submitter. Criteria: Ambry Variant Classification Scheme 2023. Collection method: clinical testing. Allele origin: germline.

NM_001367624.2(ZNF469):c.9804C>T (p.Gly3268=)

Gene: ZNF469 (zinc finger protein 469; plus strand). Cytogenetic location: 16q24.2.
Variant type: single nucleotide variant.
Coding change: c.9804C>T on transcript NM_001367624.2 (MANE Select); coding-DNA position 9804, C replaced by T.
Protein change: p.Gly3268=; no amino-acid change (glycine 3268 retained).
Molecular consequence: synonymous variant.
Genome position (GRCh38, 1-based): chr16:88,437,274, C>T. VCF-style: chr16-88437274-C-T. GRCh37 (hg19) VCF-style: chr16-88503682-C-T.
Other names: NM_001127464.1:c.9720C>T; NM_001127464.2:c.9720C>T.
Identifiers: ClinVar variation 1767983 (VCV001767983.8), dbSNP rs1482188131, ClinGen allele CA497358403.